The following is an entry in ClinVar:

ClinVar aggregate classification (germline): Uncertain significance. Review status: criteria provided, multiple submitters, no conflicts (2 of 4 stars). 2 submissions from 2 submitters: Uncertain significance (2). Last evaluated 2022-08-10.

Conditions:
Ataxia-telangiectasia-like disorder (ATLD). Identifiers: MedGen C1858391, MONDO:0011457.
Hereditary cancer-predisposing syndrome. Also called: Neoplastic Syndromes, Hereditary; Tumor predisposition; Hereditary Cancer Syndrome; Hereditary neoplastic syndrome. Identifiers: Orphanet 140162, MedGen C0027672, MeSH D009386, MONDO:0015356.

gnomAD v4.1: 2 of 1,611,480 alleles (0.00012%); highest among the groups gnomAD compares: Admixed American, 0.0033%; no homozygotes.

Submissions (2):

Labcorp Genetics (formerly Invitae), Labcorp
Classification: Uncertain significance for Ataxia-telangiectasia-like disorder. Last evaluated: 2022-08-10. Review status: criteria provided, single submitter. Criteria: Invitae Variant Classification Sherloc (09022015). Collection method: clinical testing. Allele origin: germline.
Comment: This sequence change replaces serine, which is neutral and polar, with arginine, which is basic and polar, at codon 225 of the MRE11 protein (p.Ser225Arg). This variant is present in population databases (no rsID available, gnomAD 0.006%). This variant has not been reported in the literature in individuals affected with MRE11-related conditions. ClinVar contains an entry for this variant (Variation ID: 534774). Algorithms developed to predict the effect of missense changes on protein structure and function output the following: SIFT: "Tolerated"; PolyPhen-2: "Benign"; Align-GVGD: "Class C0". The arginine amino acid residue is found in multiple mammalian species, which suggests that this missense change does not adversely affect protein function. In summary, the available evidence is currently insufficient to determine the role of this variant in disease. Therefore, it has been classified as a Variant of Uncertain Significance.

Ambry Genetics
Classification: Uncertain significance for Hereditary cancer-predisposing syndrome. Last evaluated: 2021-12-16. Review status: criteria provided, single submitter. Criteria: Ambry Variant Classification Scheme 2023. Collection method: clinical testing. Allele origin: germline.
Comment: The p.S225R variant (also known as c.673A>C), located in coding exon 7 of the MRE11A gene, results from an A to C substitution at nucleotide position 673. The serine at codon 225 is replaced by arginine, an amino acid with dissimilar properties. This amino acid position is poorly conserved in available vertebrate species. In addition, this alteration is predicted to be tolerated by in silico analysis. Since supporting evidence is limited at this time, the clinical significance of this alteration remains unclear.

NM_005591.4(MRE11):c.673A>C (p.Ser225Arg)

Gene: MRE11 (MRE11 double strand break repair nuclease; minus strand). Cytogenetic location: 11q21.
Variant type: single nucleotide variant.
Coding change: c.673A>C on transcript NM_005591.4 (MANE Select); coding-DNA position 673, A replaced by C.
Protein change: p.Ser225Arg; replaces serine 225 with arginine.
Molecular consequence: missense variant.
Genome position (GRCh38, 1-based): chr11:94,471,746, T>G on the plus strand (A>C on the coding strand, the complement: MRE11 is on the minus strand). VCF-style: chr11-94471746-T-G. GRCh37 (hg19) VCF-style: chr11-94204912-T-G.
Other names: c.673A>C, p.Ser225Arg (NM_001330347.2, NM_005590.4); short protein forms S225R.
Identifiers: ClinVar variation 534774 (VCV000534774.12), dbSNP rs763790530, ClinGen allele CA382375938.